The following is an entry in ClinVar:

NC_012920.1(MT-TT):m.15950G>A

Gene: MT-TT (mitochondrially encoded tRNA threonine; plus strand).
Variant type: single nucleotide variant.
Genome position: chrM-15950-G-A.
Other names: 15950G-A.
Identifiers: ClinVar variation 9559 (VCV000009559.2), dbSNP rs118203890, ClinGen allele CA254832.

ClinVar aggregate classification (germline): Uncertain significance. Review status: criteria provided, single submitter (1 of 4 stars). 2 submissions from 2 submitters: Uncertain significance (1). 1 of the submissions does not count toward it. Last evaluated 2019-07-12.

Conditions:
Parkinson disease, mitochondrial. Identifiers: MedGen C1838867, MONDO:0010796, OMIM 556500.
MELAS syndrome (MELAS). Also called: Juvenile myopathy, encephalopathy, lactic acidosis, stroke. Identifiers: Orphanet 550, MedGen C0162671, MONDO:0010789, OMIM 540000.

Submissions (2):

Wong Mito Lab, Molecular and Human Genetics, Baylor College of Medicine
Classification: Uncertain significance for MELAS syndrome. Last evaluated: 2019-07-12. Review status: criteria provided, single submitter. Criteria: Modified ACMG Guidelines (Unpublished). Collection method: clinical testing. Allele origin: germline.
Comment: The NC_012920.1:m.15950G>A variant in MT-TT gene is interpreted to be a Unknown Significance variant based on the modified ACMG guidelines (unpublished). This variant meets the following evidence codes reported in the guidelines: PP3, BP6

OMIM
Classification: risk factor for PARKINSON DISEASE, SUSCEPTIBILITY TO. Last evaluated: 1999-04-01. Review status: no assertion criteria provided. Collection method: literature only. Allele origin: germline. Not counted in ClinVar's aggregate classification.

Literature cited by the submitters: PubMed 31965079 (cited by Wong Mito Lab, Molecular and Human Genetics, Baylor College of Medicine); PubMed 10369889 (cited by Wong Mito Lab, Molecular and Human Genetics, Baylor College of Medicine and OMIM).